The following is an entry in ClinVar:

NM_007294.4(BRCA1):c.4986+483T>C

Gene: BRCA1 (BRCA1 DNA repair associated; minus strand). Cytogenetic location: 17q21.31.
Variant type: single nucleotide variant.
Coding change: c.4986+483T>C on transcript NM_007294.4 (MANE Select); 483 bases into the intron after coding-DNA position 4986, T replaced by C.
Molecular consequence: intron variant.
Genome position (GRCh38, 1-based): chr17:43,070,445, A>G on the plus strand (T>C on the coding strand, the complement: BRCA1 is on the minus strand). VCF-style: chr17-43070445-A-G. GRCh37 (hg19) VCF-style: chr17-41222462-A-G.
Other names: IVS 16+483T>C; c.1677+483T>C (NM_001407973.1, NM_001407975.1, NM_001407978.1 and 3 more transcripts); c.4986+483T>C (NM_001407596.1, NM_001407602.1, NM_001407597.1 and 8 more transcripts); c.4098+483T>C (NM_001407966.1); c.4599+483T>C (NM_001407963.1); c.1293+483T>C (NM_001408511.1); c.1536+483T>C (NM_001408457.1, NM_001408454.1, NM_001408456.1 and 3 more transcripts); c.4845+483T>C (NM_001407692.1, NM_001407729.1, NM_001407698.1 and 13 more transcripts); and 72 more.
Identifiers: ClinVar variation 209358 (VCV000209358.3), dbSNP rs8176220, ClinGen allele CA276330.
Genomic context (GRCh38, chr17:43,070,445, plus strand): 5'-CAATTCCCATTTCTGGCATTAAGGACCCAAGGTGATGCCAAAATCCTAATAGCAAGGGAT[A>G]TTGCAGGGCAGAAGTGGCAGGGCATTCTTACAAGCCAGGATGAAAACAAACACTAGAGAA-3'

ClinVar aggregate classification (germline): Benign. Review status: reviewed by expert panel (3 of 4 stars). 2 submissions from 2 submitters: Benign (1). 1 of the submissions does not count toward it. Last evaluated 2015-01-12.

Conditions:
Breast-ovarian cancer, familial, susceptibility to, 1 (BROVCA1). Also called: BRCA1 Hereditary Breast and Ovarian Cancer; OVARIAN CANCER, SUSCEPTIBILITY TO. Identifiers: Orphanet 145, MedGen C2676676, MONDO:0011450, OMIM 604370. Disease mechanism: loss of function.

Allele frequency attached by ClinVar (database versions not stated): TOPMed 0.30358; gnomAD 0.31045 and 0.31782; 1000 Genomes Project 30x 0.35009; 1000 Genomes Project 0.35583.
gnomAD v4.1: 48,330 of 152,028 alleles (32%); highest among the groups gnomAD compares: South Asian, 49%; 8,003 homozygotes.

Submissions (2):

Evidence-based Network for the Interpretation of Germline Mutant Alleles (ENIGMA)
Classification: Benign for Breast-ovarian cancer, familial 1. Last evaluated: 2015-01-12. Review status: reviewed by expert panel. Criteria: ENIGMA BRCA1/2 Classification Criteria (2015). Collection method: curation. Allele origin: germline.
Comment: Class 1 not pathogenic based on frequency >1% in an outbred sampleset. Frequency 0.3322 (Asian), 0.2195 (African), 0.3615 (European), derived from 1000 genomes (2012-04-30).

Breakthrough Genomics
Classification: Benign. Review status: criteria provided, single submitter. Criteria: ACMG Guidelines, 2015. Collection method: not provided. Allele origin: germline. Inheritance: Autosomal recessive inheritance. Affected: yes. Not counted in ClinVar's aggregate classification.